The following is an entry in ClinVar:

NM_000465.4(BARD1):c.815T>C (p.Phe272Ser)

Gene: BARD1 (BRCA1 associated RING domain 1; minus strand). Cytogenetic location: 2q35.
Variant type: single nucleotide variant.
Coding change: c.815T>C on transcript NM_000465.4 (MANE Select); coding-DNA position 815, T replaced by C.
Protein change: p.Phe272Ser; replaces phenylalanine 272 with serine.
Molecular consequence: missense variant. On other transcripts: non-coding transcript variant (2), intron variant (3).
Genome position (GRCh38, 1-based): chr2:214,781,059, A>G on the plus strand (T>C on the coding strand, the complement: BARD1 is on the minus strand). VCF-style: chr2-214781059-A-G. GRCh37 (hg19) VCF-style: chr2-215645783-A-G.
Other names: c.758T>C, p.Phe253Ser (NM_001282543.2); c.158+28353T>C (NM_001282548.2); c.215+16002T>C (NM_001282545.2); c.364+11238T>C (NM_001282549.2); short protein forms F272S, F253S.
Identifiers: ClinVar variation 2027380 (VCV002027380.4), dbSNP rs1060501296, ClinGen allele CA350455498.

ClinVar aggregate classification (germline): Uncertain significance (1 of 4 stars; one submission).

Conditions:
Familial cancer of breast. Also called: hereditary breast carcinoma; BREAST CANCER, FAMILIAL; Hereditary breast cancer. Identifiers: Orphanet 227535, MedGen C0346153, MONDO:0016419, OMIM 114480. Disease mechanism: loss of function.

Submission:

Labcorp Genetics (formerly Invitae), Labcorp
Classification: Uncertain significance for Familial cancer of breast. Last evaluated: 2022-08-08. Review status: criteria provided, single submitter. Criteria: Invitae Variant Classification Sherloc (09022015). Collection method: clinical testing. Allele origin: germline.
Comment: This variant is not present in population databases (gnomAD no frequency). This sequence change replaces phenylalanine, which is neutral and non-polar, with serine, which is neutral and polar, at codon 272 of the BARD1 protein (p.Phe272Ser). This variant has not been reported in the literature in individuals affected with BARD1-related conditions. In summary, the available evidence is currently insufficient to determine the role of this variant in disease. Therefore, it has been classified as a Variant of Uncertain Significance. Algorithms developed to predict the effect of missense changes on protein structure and function output the following: SIFT: "Tolerated"; PolyPhen-2: "Benign"; Align-GVGD: "Class C0". The serine amino acid residue is found in multiple mammalian species, which suggests that this missense change does not adversely affect protein function.